The following is an entry in ClinVar:

NC_000016.9:g.(?_1401931)_(1402308_1411743)del

Gene: GNPTG (N-acetylglucosamine-1-phosphate transferase subunit gamma; plus strand). Cytogenetic location: 16p13.3.
Variant type: Deletion.
Identifiers: ClinVar variation 4853712 (VCV004853712.1).

ClinVar aggregate classification (germline): Pathogenic (1 of 4 stars; one submission).

Conditions:
GNPTG-mucolipidosis. Also called: ML III GAMMA; ML IIIC; MUCOLIPIDOSIS III, COMPLEMENTATION GROUP C; MUCOLIPIDOSIS III, IRANIAN VARIANT FORM; MUCOLIPIDOSIS III, VARIANT FORM; Mucolipidosis type III gamma. Identifiers: Orphanet 423470, Orphanet 577, MedGen C1854896, MONDO:0009652, OMIM 252605.

Submission:

Women's Health and Genetics/Laboratory Corporation of America, LabCorp
Classification: Pathogenic for GNPTG-mucolipidosis. Last evaluated: 2026-05-22. Review status: criteria provided, single submitter. Criteria: LabCorp Variant Classification Summary - May 2015. Collection method: clinical testing. Allele origin: germline.
Comment: Variant summary: The variant involves the deletion of exons 1-3 in the GNPTG gene. A presumed nomenclature of c.(?_-36)_(178+1_179-1)del has been designated for the purposes of this classification. The exact breakpoint at the 5' end of this variant is unknown, therefore this deletion may extend upstream of the annotated region of this gene. Although the exact breakpoints of this deletion are not known, it is predicted to remove the initiation codon and result in an absence of protein or a truncation of the encoded protein due to translation initiation at a downstream site. Loss-of-function variants in this gene are known to be pathogenic. The variant was absent in 21686 control chromosomes. To our knowledge, no occurrence of c.(?_-36)_(178+1_179-1)del in individuals affected with GNPTG-related conditions and no experimental evidence demonstrating its impact on protein function have been reported. ClinVar contains an entry for this variant (Variation ID: 3243664). Based on the evidence outlined above, the variant was classified as pathogenic.